The following is an entry in ClinVar:

ClinVar aggregate classification (germline): Benign/Likely benign. Review status: criteria provided, multiple submitters, no conflicts (2 of 4 stars). 3 submissions from 3 submitters: Benign (1); Likely benign (2). Last evaluated 2026-01-27.

Allele frequency attached by ClinVar (database versions not stated): TOPMed 0.00099; 1000 Genomes Project 0.00100; gnomAD 0.00105 and 0.00110; ESP Exome Variant Server 0.00108; gnomAD exomes 0.00086 and 0.00112; ExAC 0.00088; 1000 Genomes Project 30x 0.00141.
gnomAD v4.1: 1,791 of 1,612,556 alleles (0.11%); highest among the groups gnomAD compares: Non-Finnish European, 0.14%; 1 homozygote.

Submissions (3):

Labcorp Genetics (formerly Invitae), Labcorp
Classification: Benign. Last evaluated: 2026-01-27. Review status: criteria provided, single submitter. Criteria: Invitae Variant Classification Sherloc (09022015). Collection method: clinical testing. Allele origin: germline.

Blueprint Genetics
Classification: Likely benign. Last evaluated: 2024-10-23. Review status: criteria provided, single submitter. Criteria: ACMG Guidelines, 2015. Collection method: clinical testing. Allele origin: germline.

CeGaT Center for Human Genetics Tuebingen
Classification: Likely benign. Last evaluated: 2023-06-01. Review status: criteria provided, single submitter. Criteria: CeGaT Center For Human Genetics Tuebingen Variant Classification Criteria Version 2. Collection method: clinical testing. Allele origin: germline. Affected: yes. Observed: 1 variant allele.
Comment: MPDZ: BP4, BP7

NM_001378778.1(MPDZ):c.2520A>G (p.Thr840=)

Gene: MPDZ (multiple PDZ domain crumbs cell polarity complex component; minus strand). Cytogenetic location: 9p23.
Variant type: single nucleotide variant.
Coding change: c.2520A>G on transcript NM_001378778.1 (MANE Select); coding-DNA position 2520, A replaced by G.
Protein change: p.Thr840=; no amino-acid change (threonine 840 retained).
Molecular consequence: synonymous variant.
Genome position (GRCh38, 1-based): chr9:13,183,547, T>C on the plus strand (A>G on the coding strand, the complement: MPDZ is on the minus strand). VCF-style: chr9-13183547-T-C. GRCh37 (hg19) VCF-style: chr9-13183546-T-C.
Other names: c.2520A>G, p.Thr840= (NM_001261406.2, NM_001261407.2, NM_001330637.2 and 14 more transcripts).
Identifiers: ClinVar variation 734821 (VCV000734821.35), dbSNP rs41265288, ClinGen allele CA4987424.